The following is an entry in ClinVar:

NM_002941.4(ROBO1):c.1800-8A>G

Gene: ROBO1 (roundabout guidance receptor 1; minus strand). Cytogenetic location: 3p12.3.
Variant type: single nucleotide variant.
Coding change: c.1800-8A>G on transcript NM_002941.4 (MANE Select); 8 bases into the intron before coding-DNA position 1800, A replaced by G.
Molecular consequence: intron variant.
Genome position (GRCh38, 1-based): chr3:78,668,057, T>C on the plus strand (A>G on the coding strand, the complement: ROBO1 is on the minus strand). VCF-style: chr3-78668057-T-C. GRCh37 (hg19) VCF-style: chr3-78717207-T-C.
Other names: c.1692-8A>G (NM_001145845.2, NM_133631.4).
Identifiers: ClinVar variation 2653980 (VCV002653980.25), dbSNP rs766848450, ClinGen allele CA2498847.

ClinVar aggregate classification (germline): Likely benign. Review status: criteria provided, multiple submitters, no conflicts (2 of 4 stars). 2 submissions from 2 submitters: Likely benign (2). Last evaluated 2025-04-06.

Allele frequency attached by ClinVar (database versions not stated): ExAC 0.00001; gnomAD exomes 0.00002; TOPMed 0.00005.
gnomAD v4.1: 27 of 1,613,312 alleles (0.0017%); highest among the groups gnomAD compares: Admixed American, 0.0067%; no homozygotes.

Submissions (2):

Labcorp Genetics (formerly Invitae), Labcorp
Classification: Likely benign. Last evaluated: 2025-04-06. Review status: criteria provided, single submitter. Criteria: Invitae Variant Classification Sherloc (09022015). Collection method: clinical testing. Allele origin: germline.

CeGaT Center for Human Genetics Tuebingen
Classification: Likely benign. Last evaluated: 2022-08-01. Review status: criteria provided, single submitter. Criteria: CeGaT Center For Human Genetics Tuebingen Variant Classification Criteria Version 2. Collection method: clinical testing. Allele origin: germline. Affected: yes. Observed: 1 variant allele.
Comment: ROBO1: BP4